The following is an entry in ClinVar:

ClinVar aggregate classification (germline): Uncertain significance (0 of 4 stars; one submission).

Conditions:
CREBBP-related disorder. Also called: CREBBP-related condition; CREBBP-related disorders.

gnomAD v4.1: 14 of 1,613,622 alleles (0.00087%); highest among the groups gnomAD compares: African/African-American, 0.0013%; no homozygotes.

Submission:

PreventionGenetics, part of Exact Sciences
Classification: Uncertain significance for CREBBP-related condition. Last evaluated: 2024-06-07. Review status: no assertion criteria provided. Collection method: clinical testing. Allele origin: germline.
Comment: The CREBBP c.2503A>G variant is predicted to result in the amino acid substitution p.Met835Val. To our knowledge, this variant has not been reported in the literature. This variant is reported in 0.0044% of alleles in individuals of European (Non-Finnish) descent in gnomAD. At this time, the clinical significance of this variant is uncertain due to the absence of conclusive functional and genetic evidence.

NM_004380.3(CREBBP):c.2503A>G (p.Met835Val)

Gene: CREBBP (CREB binding lysine acetyltransferase; minus strand). Cytogenetic location: 16p13.3.
Variant type: single nucleotide variant.
Coding change: c.2503A>G on transcript NM_004380.3 (MANE Select); coding-DNA position 2503, A replaced by G.
Protein change: p.Met835Val; replaces methionine 835 with valine.
Molecular consequence: missense variant.
Genome position (GRCh38, 1-based): chr16:3,770,947, T>C on the plus strand (A>G on the coding strand, the complement: CREBBP is on the minus strand). VCF-style: chr16-3770947-T-C. GRCh37 (hg19) VCF-style: chr16-3820948-T-C.
Other names: c.2389A>G, p.Met797Val (NM_001079846.1); short protein forms M797V, M835V.
Identifiers: ClinVar variation 3355532 (VCV003355532.1).